The following is an entry in ClinVar:

NM_004484.4(GPC3):c.391A>G (p.Lys131Glu)

Gene: GPC3 (glypican 3; minus strand). Cytogenetic location: Xq26.2.
Variant type: single nucleotide variant.
Coding change: c.391A>G on transcript NM_004484.4 (MANE Select); coding-DNA position 391, A replaced by G.
Protein change: p.Lys131Glu; replaces lysine 131 with glutamic acid.
Molecular consequence: missense variant.
Genome position (GRCh38, 1-based): chrX:133,754,123, T>C on the plus strand (A>G on the coding strand, the complement: GPC3 is on the minus strand). VCF-style: chrX-133754123-T-C. GRCh37 (hg19) VCF-style: chrX-132888150-T-C.
Other names: c.391A>G, p.Lys131Glu (NM_001164617.2); c.343A>G, p.Lys115Glu (NM_001164618.2); c.229A>G, p.Lys77Glu (NM_001164619.2); short protein forms K131E, K115E, K77E.
Identifiers: ClinVar variation 579948 (VCV000579948.7), dbSNP rs1295553120, ClinGen allele CA414706742.
Genomic context (GRCh38, chrX:133,754,123, plus strand): 5'-CTGTGAAAAATTCACCCACAAACTCAAAAGCTTGTGGAGTCAGGCTTGGGTAGTTGTTCT[T>C]GAACATGGCATTGGTGTAGTTCTTGGCATGGCGAACAACAATTTCAAAGGCCTCTGTAAA-3'
Protein context (NP_004475.1, residues 121-141): HAKNYTNAMF[Lys131Glu]NNYPSLTPQA

ClinVar aggregate classification (germline): Uncertain significance (1 of 4 stars; one submission).

Conditions:
Wilms tumor 1 (WT1). Also called: Wilms tumor, somatic. Identifiers: Orphanet 654, MedGen CN033288, MONDO:0008679, OMIM 194070.

Allele frequency attached by ClinVar (database versions not stated): gnomAD exomes below 0.00001 and 0.00001.
gnomAD v4.1: 2 of 1,208,930 alleles (0.00017%); highest among the groups gnomAD compares: Non-Finnish European, 0.00022%; no homozygotes.

Submission:

Labcorp Genetics (formerly Invitae), Labcorp
Classification: Uncertain significance for Wilms tumor 1. Last evaluated: 2023-09-14. Review status: criteria provided, single submitter. Criteria: Invitae Variant Classification Sherloc (09022015). Collection method: clinical testing. Allele origin: germline.
Comment: This sequence change replaces lysine, which is basic and polar, with glutamic acid, which is acidic and polar, at codon 131 of the GPC3 protein (p.Lys131Glu). This variant is present in population databases (no rsID available, gnomAD 0.001%). This variant has not been reported in the literature in individuals affected with GPC3-related conditions. ClinVar contains an entry for this variant (Variation ID: 579948). Advanced modeling of protein sequence and biophysical properties (such as structural, functional, and spatial information, amino acid conservation, physicochemical variation, residue mobility, and thermodynamic stability) performed at Invitae indicates that this missense variant is not expected to disrupt GPC3 protein function. In summary, the available evidence is currently insufficient to determine the role of this variant in disease. Therefore, it has been classified as a Variant of Uncertain Significance.